The following is an entry in ClinVar:

NM_005732.4(RAD50):c.2191G>A (p.Gly731Arg)

Gene: RAD50 (RAD50 double strand break repair protein; plus strand). Cytogenetic location: 5q31.1.
Variant type: single nucleotide variant.
Coding change: c.2191G>A on transcript NM_005732.4 (MANE Select); coding-DNA position 2191, G replaced by A.
Protein change: p.Gly731Arg; replaces glycine 731 with arginine.
Molecular consequence: missense variant.
Genome position (GRCh38, 1-based): chr5:132,595,794, G>A. VCF-style: chr5-132595794-G-A. GRCh37 (hg19) VCF-style: chr5-131931486-G-A.
Other names: short protein forms G731R.
Identifiers: ClinVar variation 647330 (VCV000647330.18), dbSNP rs61758783, ClinGen allele CA3405339.

ClinVar aggregate classification (germline): Uncertain significance. Review status: criteria provided, multiple submitters, no conflicts (2 of 4 stars). 4 submissions from 4 submitters: Uncertain significance (4). Last evaluated 2025-05-15.

Conditions:
Hereditary cancer-predisposing syndrome. Also called: Hereditary Cancer Syndrome; Tumor predisposition; Hereditary neoplastic syndrome; Neoplastic Syndromes, Hereditary. Identifiers: Orphanet 140162, MedGen C0027672, MeSH D009386, MONDO:0015356.
Nijmegen breakage syndrome-like disorder (NBSLD). Also called: MICROCEPHALY AND SPONTANEOUS CHROMOSOME INSTABILITY WITHOUT IMMUNODEFICIENCY; NBS-LIKE DISORDER; RAD50 DEFICIENCY. Identifiers: Orphanet 240760, MedGen C2751318, MONDO:0013118, OMIM 613078.

Allele frequency attached by ClinVar (database versions not stated): gnomAD exomes below 0.00001; ExAC 0.00002.
gnomAD v4.1: 4 of 1,608,108 alleles (0.00025%); highest among the groups gnomAD compares: Non-Finnish European, 0.00034%; no homozygotes.

Submissions (4):

Ambry Genetics
Classification: Uncertain significance for Hereditary cancer-predisposing syndrome. Last evaluated: 2025-05-15. Review status: criteria provided, single submitter. Criteria: Ambry Variant Classification Scheme 2023. Collection method: clinical testing. Allele origin: germline.
Comment: The p.G731R variant (also known as c.2191G>A), located in coding exon 13 of the RAD50 gene, results from a G to A substitution at nucleotide position 2191. The glycine at codon 731 is replaced by arginine, an amino acid with dissimilar properties. This amino acid position is well conserved in available vertebrate species. In addition, this alteration is predicted to be tolerated by in silico analysis. Since supporting evidence is limited at this time, the clinical significance of this alteration remains unclear.

Labcorp Genetics (formerly Invitae), Labcorp
Classification: Uncertain significance for Hereditary cancer-predisposing syndrome. Last evaluated: 2024-04-22. Review status: criteria provided, single submitter. Criteria: Invitae Variant Classification Sherloc (09022015). Collection method: clinical testing. Allele origin: germline.
Comment: This sequence change replaces glycine, which is neutral and non-polar, with arginine, which is basic and polar, at codon 731 of the RAD50 protein (p.Gly731Arg). This variant is present in population databases (rs61758783, gnomAD 0.002%). This variant has not been reported in the literature in individuals affected with RAD50-related conditions. ClinVar contains an entry for this variant (Variation ID: 647330). Advanced modeling of protein sequence and biophysical properties (such as structural, functional, and spatial information, amino acid conservation, physicochemical variation, residue mobility, and thermodynamic stability) performed at Invitae indicates that this missense variant is not expected to disrupt RAD50 protein function with a negative predictive value of 80%. In summary, the available evidence is currently insufficient to determine the role of this variant in disease. Therefore, it has been classified as a Variant of Uncertain Significance.

Baylor Genetics
Classification: Uncertain significance for Nijmegen breakage syndrome-like disorder. Last evaluated: 2024-03-11. Review status: criteria provided, single submitter. Criteria: ACMG Guidelines, 2015. Collection method: clinical testing. Allele origin: unknown.

Fulgent Genetics
Classification: Uncertain significance for Nijmegen breakage syndrome-like disorder. Last evaluated: 2024-01-24. Review status: criteria provided, single submitter. Criteria: ACMG Guidelines, 2015. Collection method: clinical testing. Allele origin: germline.